The following is an entry in ClinVar:

ClinVar aggregate classification (germline): Conflicting classifications of pathogenicity. Review status: criteria provided, conflicting classifications (1 of 4 stars). 8 submissions from 7 submitters: Uncertain significance (5); Benign (1); Likely benign (1). 1 of the submissions does not count toward it. Last evaluated 2026-01-27.

Conditions:
Spinocerebellar ataxia, autosomal recessive, with axonal neuropathy 2 (SCAN2). Also called: Ataxia-ocular apraxia-2; ATAXIA-OCULOMOTOR APRAXIA 2; Ataxia with Oculomotor Apraxia; Ataxia with Oculomotor Apraxia Type 2. Identifiers: Orphanet 64753, MedGen C1853761, MONDO:0018996, OMIM 606002.
SETX-related disorder. Also called: SETX-related condition; SETX-related disorders. Identifiers: MedGen CN239403.
Inborn genetic diseases. Identifiers: MedGen C0950123, MeSH D030342.
Amyotrophic lateral sclerosis type 4 (ALS4). Also called: AMYOTROPHIC LATERAL SCLEROSIS 4, JUVENILE; NEURONOPATHY, DISTAL HEREDITARY MOTOR, WITH PYRAMIDAL FEATURES. Identifiers: Orphanet 357043, MedGen C1865409, MONDO:0011223, OMIM 602433.

Allele frequency attached by ClinVar (database versions not stated): TOPMed 0.00010; ExAC 0.00014; gnomAD 0.00032 and 0.00035; gnomAD exomes 0.00035.

Submissions (8):

Labcorp Genetics (formerly Invitae), Labcorp
Classification: Likely benign for Amyotrophic lateral sclerosis type 4; Spinocerebellar ataxia, autosomal recessive, with axonal neuropathy 2. Last evaluated: 2026-01-27. Review status: criteria provided, single submitter. Criteria: Invitae Variant Classification Sherloc (09022015). Collection method: clinical testing. Allele origin: germline.

Blueprint Genetics
Classification: Uncertain significance. Last evaluated: 2024-09-17. Review status: criteria provided, single submitter. Criteria: ACMG Guidelines, 2015. Collection method: clinical testing. Allele origin: germline.

Mayo Clinic Laboratories, Mayo Clinic
Classification: Uncertain significance. Last evaluated: 2024-06-07. Review status: criteria provided, single submitter. Criteria: ACMG Guidelines, 2015. Collection method: clinical testing. Allele origin: germline. Observed: 1 variant allele.
Comment: BS1

Athena Diagnostics
Classification: Benign. Last evaluated: 2022-06-07. Review status: criteria provided, single submitter. Criteria: Athena Diagnostics Criteria. Collection method: clinical testing. Allele origin: unknown.

Ambry Genetics
Classification: Uncertain significance for Inborn genetic diseases. Last evaluated: 2021-03-30. Review status: criteria provided, single submitter. Criteria: Ambry Variant Classification Scheme 2023. Collection method: clinical testing. Allele origin: germline.
Comment: The p.R1538W variant (also known as c.4612C>T), located in coding exon 8 of the SETX gene, results from a C to T substitution at nucleotide position 4612. The arginine at codon 1538 is replaced by tryptophan, an amino acid with dissimilar properties. This alteration was detected in two patients among an ALS cohort (Scarlino S et al. Int J Mol Sci, 2020 May;21:). This amino acid position is poorly conserved in available vertebrate species. In addition, this alteration is predicted to be tolerated by in silico analysis. Based on the supporting evidence, this variant is unlikely to be causative of autosomal dominant juvenile amyotrophic lateral sclerosis 4; however, its contribution to the development of autosomal recessive spinocerebellar ataxia with axonal neuropathy 2 is uncertain.

Illumina Laboratory Services, Illumina
Classification: Uncertain significance for Spinocerebellar ataxia, autosomal recessive, with axonal neuropathy 2. Last evaluated: 2018-01-12. Review status: criteria provided, single submitter. Criteria: ICSL Variant Classification Criteria 13 December 2019. Collection method: clinical testing. Allele origin: germline.

Illumina Laboratory Services, Illumina
Classification: Uncertain significance for Amyotrophic lateral sclerosis type 4. Last evaluated: 2018-01-12. Review status: criteria provided, single submitter. Criteria: ICSL Variant Classification Criteria 13 December 2019. Collection method: clinical testing. Allele origin: germline.

PreventionGenetics, part of Exact Sciences
Classification: Likely benign for SETX-related condition. Last evaluated: 2023-04-27. Review status: no assertion criteria provided. Collection method: clinical testing. Allele origin: germline. Not counted in ClinVar's aggregate classification.
Comment: This variant is classified as likely benign based on ACMG/AMP sequence variant interpretation guidelines (Richards et al. 2015 PMID: 25741868, with internal and published modifications).

Literature cited by the submitters: PubMed 32397312 (cited by Mayo Clinic Laboratories, Mayo Clinic and Ambry Genetics).

NM_015046.7(SETX):c.4612C>T (p.Arg1538Trp)

Gene: SETX (senataxin; minus strand). Cytogenetic location: 9q34.13.
Variant type: single nucleotide variant.
Coding change: c.4612C>T on transcript NM_015046.7 (MANE Select); coding-DNA position 4612, C replaced by T.
Protein change: p.Arg1538Trp; replaces arginine 1538 with tryptophan.
Molecular consequence: missense variant.
Genome position (GRCh38, 1-based): chr9:132,326,986, G>A on the plus strand (C>T on the coding strand, the complement: SETX is on the minus strand). VCF-style: chr9-132326986-G-A. GRCh37 (hg19) VCF-style: chr9-135202373-G-A.
Other names: c.4612C>T, p.Arg1538Trp (NM_001351527.2, NM_001351528.2); short protein forms R1538W.
Identifiers: ClinVar variation 365353 (VCV000365353.22), dbSNP rs147018359, ClinGen allele CA5297167.